The following is an entry in ClinVar:

ClinVar aggregate classification (germline): Uncertain significance (1 of 4 stars; one submission).

Submission:

Labcorp Genetics (formerly Invitae), Labcorp
Classification: Uncertain significance. Last evaluated: 2021-09-24. Review status: criteria provided, single submitter. Criteria: Invitae Variant Classification Sherloc (09022015). Collection method: clinical testing. Allele origin: germline.
Comment: This sequence change replaces glutamine with arginine at codon 696 of the COL7A1 protein (p.Gln696Arg). The glutamine residue is weakly conserved and there is a small physicochemical difference between glutamine and arginine. This variant is not present in population databases (ExAC no frequency). This variant has not been reported in the literature in individuals affected with COL7A1-related conditions. Advanced modeling of protein sequence and biophysical properties (such as structural, functional, and spatial information, amino acid conservation, physicochemical variation, residue mobility, and thermodynamic stability) performed at Invitae indicates that this missense variant is not expected to disrupt COL7A1 protein function. In summary, the available evidence is currently insufficient to determine the role of this variant in disease. Therefore, it has been classified as a Variant of Uncertain Significance.

NM_000094.4(COL7A1):c.2087A>G (p.Gln696Arg)

Gene: COL7A1 (collagen type VII alpha 1 chain; minus strand). Cytogenetic location: 3p21.31.
Variant type: single nucleotide variant.
Coding change: c.2087A>G on transcript NM_000094.4 (MANE Select); coding-DNA position 2087, A replaced by G.
Protein change: p.Gln696Arg; replaces glutamine 696 with arginine.
Molecular consequence: missense variant.
Genome position (GRCh38, 1-based): chr3:48,589,682, T>C on the plus strand (A>G on the coding strand, the complement: COL7A1 is on the minus strand). VCF-style: chr3-48589682-T-C. GRCh37 (hg19) VCF-style: chr3-48627115-T-C.
Other names: short protein forms Q696R.
Identifiers: ClinVar variation 1432176 (VCV001432176.5), dbSNP rs2107774731, ClinGen allele CA352725655.